The following is an entry in ClinVar:

ClinVar aggregate classification (germline): Pathogenic. Review status: reviewed by expert panel (3 of 4 stars). 2 submissions from 2 submitters: Pathogenic (1). 1 of the submissions does not count toward it. Last evaluated 2016-10-18.

Conditions:
Breast-ovarian cancer, familial, susceptibility to, 1 (BROVCA1). Also called: BRCA1 Hereditary Breast and Ovarian Cancer; OVARIAN CANCER, SUSCEPTIBILITY TO. Identifiers: Orphanet 145, MedGen C2676676, MONDO:0011450, OMIM 604370. Disease mechanism: loss of function.

Submissions (2):

Evidence-based Network for the Interpretation of Germline Mutant Alleles (ENIGMA)
Classification: Pathogenic for Breast-ovarian cancer, familial, susceptibility to, 1. Last evaluated: 2016-10-18. Review status: reviewed by expert panel. Criteria: ENIGMA BRCA1/2 Classification Criteria (2015). Collection method: curation. Allele origin: germline.
Comment: Variant allele predicted to encode a truncated non-functional protein.

Consortium of Investigators of Modifiers of BRCA1/2 (CIMBA), c/o University of Cambridge
Classification: Pathogenic for Breast-ovarian cancer, familial, susceptibility to, 1. Last evaluated: 2015-10-02. Review status: criteria provided, single submitter. Criteria: CIMBA Mutation Classification guidelines May 2016. Collection method: clinical testing. Allele origin: germline. Not counted in ClinVar's aggregate classification.

NM_007294.4(BRCA1):c.3024dup (p.Ser1009fs)

Gene: BRCA1 (BRCA1 DNA repair associated; minus strand). Cytogenetic location: 17q21.31.
Variant type: Duplication.
Coding change: c.3024dup on transcript NM_007294.4 (MANE Select); coding-DNA position 3024, one base duplicated (G; older notation c.3024dupG).
Protein change: p.Ser1009fs; shifts the reading frame from serine 1009.
Molecular consequence: frameshift variant. On other transcripts: intron variant (137).
Genome position (GRCh38, 1-based): chr17:43,092,507, C duplicated on the plus strand (G on the coding strand, the reverse complement: BRCA1 is on the minus strand). VCF-style (leftmost placement, unchanged base first): chr17-43092506-A-AC. GRCh37 (hg19) VCF-style: chr17-41244523-A-AC.
Other names: 3143_3144insG; c.584-1475dup (NM_001408475.1); c.710-1475dup (NM_001408412.1, NM_001408409.1, NM_001408414.1 and 2 more transcripts); c.452-1475dup (NM_001408509.1, NM_001408508.1); c.575-1475dup (NM_001408491.1, NM_001408493.1, NM_001408490.1); c.461-1475dup (NM_001408506.1, NM_001408507.1); c.578-1475dup (NM_001408481.1, NM_001408480.1, NM_001408492.1 and 9 more transcripts); c.779-1475dup (NM_001408408.1); and 42 more; short protein forms S962fs, S1009fs, S841fs, S882fs, S939fs, S968fs, S897fs, S1008fs.
Identifiers: ClinVar variation 266330 (VCV000266330.6), dbSNP rs886040094, ClinGen allele CA10589786.